The following is an entry in ClinVar:

ClinVar aggregate classification (germline): Benign. Review status: criteria provided, multiple submitters, no conflicts (2 of 4 stars). 25 submissions from 19 submitters: Benign (21). 4 of the submissions do not count toward it. Last evaluated 2026-02-04.

Conditions:
Hereditary cancer-predisposing syndrome. Also called: Tumor predisposition; Hereditary neoplastic syndrome; Hereditary Cancer Syndrome; Neoplastic Syndromes, Hereditary. Identifiers: Orphanet 140162, MedGen C0027672, MeSH D009386, MONDO:0015356.
Multiple endocrine neoplasia. Identifiers: Orphanet 276161, MedGen C0027662, MONDO:0017169.
Multiple endocrine neoplasia, type 2 (MEN2). Identifiers: Orphanet 653, MedGen C4048306, MONDO:0019003. Disease mechanism: gain of function.
Multiple endocrine neoplasia type 2B. Also called: MEN IIB; NEUROMATA, MUCOSAL, WITH ENDOCRINE TUMORS; WAGENMANN-FROBOESE SYNDROME; MULTIPLE ENDOCRINE NEOPLASIA, TYPE III; MULTIPLE ENDOCRINE NEOPLASIA, TYPE IIB; MEN 2B. Identifiers: Orphanet 247709, Orphanet 653, MedGen C0025269, MeSH D018814, MONDO:0008082, OMIM 162300.
Hirschsprung disease, susceptibility to, 1 (HSCR1). Also called: RET-Related Hirschsprung Disease. Identifiers: Orphanet 388, MedGen C3888239, MONDO:0007723, OMIM 142623.
Multiple endocrine neoplasia type 2A. Also called: Multiple Endocrine Neoplasia Type 2A (MEN2A); MULTIPLE ENDOCRINE NEOPLASIA, TYPE IIA; PTC SYNDROME; SIPPLE SYNDROME; MEN 2A; MEN-2A syndrome. Identifiers: Orphanet 247698, Orphanet 653, MedGen C0025268, MeSH D018813, MONDO:0008234, OMIM 171400.
Renal hypodysplasia/aplasia 1 (RHDA1). Also called: RENAL APLASIA; HEREDITARY RENAL APLASIA. Identifiers: Orphanet 411709, MedGen C1619700, MONDO:0024519, OMIM 191830.
Pheochromocytoma. Also called: MAX-Related Hereditary Paraganglioma-Pheochromocytoma Syndrome. Identifiers: Orphanet 29072, MedGen C0031511, MONDO:0008233, OMIM 171300, HP:0002666.

Allele frequency attached by ClinVar (database versions not stated): TOPMed 0.74257; gnomAD exomes 0.69483 and 0.69590; gnomAD 0.74290 and 0.74268; ESP Exome Variant Server 0.74858; ExAC 0.70607; 1000 Genomes Project 30x 0.77202; 1000 Genomes Project 0.77516.
gnomAD v4.1: 1,129,685 of 1,613,918 alleles (70%); highest among the groups gnomAD compares: African/African-American, 87%; 397,856 homozygotes.

Submissions (25):

Labcorp Genetics (formerly Invitae), Labcorp
Classification: Benign for Multiple endocrine neoplasia, type 2. Last evaluated: 2026-02-04. Review status: criteria provided, single submitter. Criteria: Invitae Variant Classification Sherloc (09022015). Collection method: clinical testing. Allele origin: germline.

ARUP Laboratories, Molecular Genetics and Genomics, ARUP Laboratories
Classification: Benign. Last evaluated: 2025-07-31. Review status: criteria provided, single submitter. Criteria: ARUP Molecular Germline Variant Investigation Process 2024. Collection method: clinical testing. Allele origin: germline.

GeneKor MSA
Classification: Benign for Hereditary cancer-predisposing syndrome. Last evaluated: 2025-07-10. Review status: criteria provided, single submitter. Criteria: ACMG Guidelines, 2015. Collection method: clinical testing. Allele origin: germline.

KCCC/NGS Laboratory, Kuwait Cancer Control Center
Classification: Benign for Pheochromocytoma. Last evaluated: 2025-02-01. Review status: criteria provided, single submitter. Criteria: ACMG Guidelines, 2015. Collection method: clinical testing. Allele origin: germline. Affected: no.

Hereditary Cancer Laboratory, Hospital Universitario 12 de Octubre
Classification: Benign for Hereditary cancer-predisposing syndrome. Last evaluated: 2025-01-01. Review status: criteria provided, single submitter. Criteria: ACMG Guidelines, 2015. Collection method: clinical testing. Allele origin: germline.
Comment: BA1

Blueprint Genetics
Classification: Benign. Last evaluated: 2024-11-27. Review status: criteria provided, single submitter. Criteria: ACMG Guidelines, 2015. Collection method: clinical testing. Allele origin: germline.

KCCC/NGS Laboratory, Kuwait Cancer Control Center
Classification: Benign for Multiple endocrine neoplasia type 2B. Last evaluated: 2023-07-07. Review status: criteria provided, single submitter. Criteria: ACMG Guidelines, 2015. Collection method: clinical testing. Allele origin: germline. Affected: yes.

Genome-Nilou Lab
Classification: Benign for Multiple endocrine neoplasia type 2A. Last evaluated: 2021-11-07. Review status: criteria provided, single submitter. Criteria: ACMG Guidelines, 2015. Collection method: clinical testing. Allele origin: germline. Affected: no.

Genome-Nilou Lab
Classification: Benign for Multiple endocrine neoplasia type 2B. Last evaluated: 2021-11-07. Review status: criteria provided, single submitter. Criteria: ACMG Guidelines, 2015. Collection method: clinical testing. Allele origin: germline. Affected: no.

Genome-Nilou Lab
Classification: Benign for Pheochromocytoma. Last evaluated: 2021-11-07. Review status: criteria provided, single submitter. Criteria: ACMG Guidelines, 2015. Collection method: clinical testing. Allele origin: germline. Affected: no.

Genetics and Molecular Pathology, SA Pathology
Classification: Benign for Multiple endocrine neoplasia, type 2. Last evaluated: 2019-08-06. Review status: criteria provided, single submitter. Criteria: ACMG Guidelines, 2015. Collection method: clinical testing. Allele origin: germline. Inheritance: Autosomal dominant inheritance. Affected: yes.

Color Diagnostics, LLC DBA Color Health
Classification: Benign for Multiple endocrine neoplasia, type 2. Last evaluated: 2019-03-28. Review status: criteria provided, single submitter. Criteria: ACMG Guidelines, 2015. Collection method: clinical testing. Allele origin: germline.

Laboratory for Molecular Medicine, Mass General Brigham Personalized Medicine
Classification: Benign. Last evaluated: 2018-03-12. Review status: criteria provided, single submitter. Criteria: LMM Criteria. Collection method: clinical testing. Allele origin: germline. Observed: 82 variant alleles.
Comment: This "variant" is a RefSeq error. G at this position is the major allele with an allele frequency of 70% in gnomAD (43606687-A-G).

Illumina Laboratory Services, Illumina
Classification: Benign for Multiple endocrine neoplasia. Last evaluated: 2017-04-27. Review status: criteria provided, single submitter. Criteria: ICSL Variant Classification Criteria 13 December 2019. Collection method: clinical testing. Allele origin: germline.
Comment: This variant was observed as part of a predisposition screen in an ostensibly healthy population. A literature search was performed for the gene, cDNA change, and amino acid change (where applicable). No publications were found based on this search. Allele frequency data from public databases was too high to be consistent with this variant causing disease. Therefore, this variant is classified as benign.

Illumina Laboratory Services, Illumina
Classification: Benign for Pheochromocytoma. Last evaluated: 2017-04-27. Review status: criteria provided, single submitter. Criteria: ICSL Variant Classification Criteria 13 December 2019. Collection method: clinical testing. Allele origin: germline.
Comment: the same text as in the submission from Illumina Laboratory Services, Illumina above.

Illumina Laboratory Services, Illumina
Classification: Benign for Renal hypodysplasia/aplasia 1. Last evaluated: 2017-04-27. Review status: criteria provided, single submitter. Criteria: ICSL Variant Classification Criteria 13 December 2019. Collection method: clinical testing. Allele origin: germline.
Comment: the same text as in the submission from Illumina Laboratory Services, Illumina above.

Illumina Laboratory Services, Illumina
Classification: Benign for Hirschsprung disease, susceptibility to, 1. Last evaluated: 2017-04-27. Review status: criteria provided, single submitter. Criteria: ICSL Variant Classification Criteria 13 December 2019. Collection method: clinical testing. Allele origin: germline.
Comment: the same text as in the submission from Illumina Laboratory Services, Illumina above.

Eurofins Ntd Llc (ga)
Classification: Benign. Last evaluated: 2016-03-23. Review status: criteria provided, single submitter. Criteria: EGL Classification Definitions 2015. Collection method: clinical testing. Allele origin: germline. Observed: 115 variant alleles, 63 heterozygotes, 52 homozygotes.

Ambry Genetics
Classification: Benign for Hereditary cancer-predisposing syndrome. Last evaluated: 2014-11-18. Review status: criteria provided, single submitter. Criteria: Ambry Variant Classification Scheme 2023. Collection method: clinical testing. Allele origin: germline.

Breakthrough Genomics
Classification: Benign. Review status: criteria provided, single submitter. Criteria: ACMG Guidelines, 2015. Collection method: not provided. Allele origin: germline. Inheritance: Autosomal dominant inheritance. Affected: yes.

PreventionGenetics, part of Exact Sciences
Classification: Benign. Review status: criteria provided, single submitter. Criteria: ACMG Guidelines, 2015. Collection method: clinical testing. Allele origin: germline.

Clinical Genetics DNA and cytogenetics Diagnostics Lab, Erasmus MC, Erasmus Medical Center
Classification: Benign. Review status: no assertion criteria provided. Collection method: clinical testing. Allele origin: germline. Affected: yes. Study: VKGL Data-share Consensus. Not counted in ClinVar's aggregate classification.

Diagnostic Laboratory, Department of Genetics, University Medical Center Groningen
Classification: Benign. Review status: no assertion criteria provided. Collection method: clinical testing. Allele origin: germline. Affected: yes. Study: VKGL Data-share Consensus. Not counted in ClinVar's aggregate classification.

Genome Diagnostics Laboratory, University Medical Center Utrecht
Classification: Benign. Review status: no assertion criteria provided. Collection method: clinical testing. Allele origin: germline. Affected: yes. Study: VKGL Data-share Consensus. Not counted in ClinVar's aggregate classification.

Joint Genome Diagnostic Labs from Nijmegen and Maastricht, Radboudumc and MUMC+
Classification: Benign. Review status: no assertion criteria provided. Collection method: clinical testing. Allele origin: germline. Affected: yes. Study: VKGL Data-share Consensus. Not counted in ClinVar's aggregate classification.

Literature cited by the submitters: PubMed 12872262 (cited by Laboratory for Molecular Medicine, Mass General Brigham Personalized Medicine); PubMed 16424056 (cited by Laboratory for Molecular Medicine, Mass General Brigham Personalized Medicine); PubMed 23084198 (cited by Laboratory for Molecular Medicine, Mass General Brigham Personalized Medicine); PubMed 21349203 (cited by Laboratory for Molecular Medicine, Mass General Brigham Personalized Medicine); PubMed 22068382 (cited by Laboratory for Molecular Medicine, Mass General Brigham Personalized Medicine); PubMed 24651702 (cited by Laboratory for Molecular Medicine, Mass General Brigham Personalized Medicine).

NM_020975.6(RET):c.1296A>G (p.Ala432=)

Gene: RET (ret proto-oncogene; plus strand). Cytogenetic location: 10q11.21.
Variant type: single nucleotide variant.
Coding change: c.1296A>G on transcript NM_020975.6 (MANE Select); coding-DNA position 1296, A replaced by G.
Protein change: p.Ala432=; no amino-acid change (alanine 432 retained).
Molecular consequence: synonymous variant. On other transcripts: intron variant (15).
Genome position (GRCh38, 1-based): chr10:43,111,239, A>G. VCF-style: chr10-43111239-A-G. GRCh37 (hg19) VCF-style: chr10-43606687-A-G.
Other names: c.1296A>G, p.Ala432= (NM_000323.2, NM_001406743.1, NM_001406744.1 and 6 more transcripts); c.534A>G, p.Ala178= (NM_001355216.2); c.1167A>G, p.Ala389= (NM_001406761.1, NM_001406762.1, NM_001406764.1 and 1 more transcripts); c.1008A>G, p.Ala336= (NM_001406766.1, NM_001406767.1, NM_001406770.1); c.900A>G, p.Ala300= (NM_001406769.1, NM_001406772.1); c.858A>G, p.Ala286= (NM_001406771.1, NM_001406773.1); c.771A>G, p.Ala257= (NM_001406774.1); c.570A>G, p.Ala190= (NM_001406775.1, NM_001406776.1, NM_001406777.1 and 1 more transcripts); and 6 more.
Identifiers: ClinVar variation 95995 (VCV000095995.59), dbSNP rs1800860, ClinGen allele CA007516.